The following is an entry in ClinVar:

ClinVar aggregate classification (germline): Uncertain significance (1 of 4 stars; one submission).

Allele frequency attached by ClinVar (database versions not stated): gnomAD 0.00002.
gnomAD v4.1: 3 of 1,202,890 alleles (0.00025%); highest among the groups gnomAD compares: African/African-American, 0.0035%; no homozygotes.

Submission:

Greenwood Genetic Center Diagnostic Laboratories, Greenwood Genetic Center
Classification: Uncertain significance. Last evaluated: 2022-05-31. Review status: criteria provided, single submitter. Criteria: ACMG Guidelines, 2015. Collection method: clinical testing. Allele origin: germline. Affected: yes.
Comment: Gene of Uncertain Significance

NM_001649.4(SHROOM2):c.3811G>C (p.Glu1271Gln)

Gene: SHROOM2 (shroom family member 2; plus strand). Cytogenetic location: Xp22.2.
Variant type: single nucleotide variant.
Coding change: c.3811G>C on transcript NM_001649.4 (MANE Select); coding-DNA position 3811, G replaced by C.
Protein change: p.Glu1271Gln; replaces glutamic acid 1271 with glutamine.
Molecular consequence: missense variant.
Genome position (GRCh38, 1-based): chrX:9,937,357, G>C. VCF-style: chrX-9937357-G-C. GRCh37 (hg19) VCF-style: chrX-9905397-G-C.
Other names: c.316G>C, p.Glu106Gln (NM_001320663.2, NM_001320664.2); short protein forms E106Q, E1271Q.
Identifiers: ClinVar variation 1703078 (VCV001703078.3), dbSNP rs1378544640, ClinGen allele CA412035199.